The following is an entry in ClinVar:

ClinVar aggregate classification (germline): Uncertain significance. Review status: criteria provided, multiple submitters, no conflicts (2 of 4 stars). 2 submissions from 2 submitters: Uncertain significance (2). Last evaluated 2024-01-03.

Conditions:
Aortic aneurysm, familial thoracic 7 (AAT7). Also called: AORTIC DISSECTION, FAMILIAL, WITH OR WITHOUT AORTIC ANEURYSM. Identifiers: MedGen C3151077, MONDO:0013418, OMIM 613780.
Familial thoracic aortic aneurysm and aortic dissection (TAAD). Also called: Thoracic aortic aneurysms and dissections. Identifiers: Orphanet 91387, MedGen C4707243, MONDO:0019625.

Allele frequency attached by ClinVar (database versions not stated): gnomAD exomes below 0.00001.
gnomAD v4.1: 1 of 1,614,214 alleles (0.000062%); highest among the groups gnomAD compares: Admixed American, 0.0017%; no homozygotes.

Submissions (2):

Ambry Genetics
Classification: Uncertain significance for Familial thoracic aortic aneurysm and aortic dissection. Last evaluated: 2024-01-03. Review status: criteria provided, single submitter. Criteria: Ambry Variant Classification Scheme 2023. Collection method: clinical testing. Allele origin: germline.
Comment: The p.K1721R variant (also known as c.5162A>G), located in coding exon 28 of the MYLK gene, results from an A to G substitution at nucleotide position 5162. The lysine at codon 1721 is replaced by arginine, an amino acid with highly similar properties. This amino acid position is conserved. In addition, this alteration is predicted to be tolerated by in silico analysis. Since supporting evidence is limited at this time, the clinical significance of this alteration remains unclear.

Labcorp Genetics (formerly Invitae), Labcorp
Classification: Uncertain significance for Aortic aneurysm, familial thoracic 7. Last evaluated: 2023-12-22. Review status: criteria provided, single submitter. Criteria: Invitae Variant Classification Sherloc (09022015). Collection method: clinical testing. Allele origin: germline.
Comment: This sequence change replaces lysine, which is basic and polar, with arginine, which is basic and polar, at codon 1721 of the MYLK protein (p.Lys1721Arg). This variant is present in population databases (no rsID available, gnomAD 0.003%). This variant has not been reported in the literature in individuals affected with MYLK-related conditions. Advanced modeling of protein sequence and biophysical properties (such as structural, functional, and spatial information, amino acid conservation, physicochemical variation, residue mobility, and thermodynamic stability) performed at Invitae indicates that this missense variant is not expected to disrupt MYLK protein function with a negative predictive value of 80%. In summary, the available evidence is currently insufficient to determine the role of this variant in disease. Therefore, it has been classified as a Variant of Uncertain Significance.

NM_053025.4(MYLK):c.5162A>G (p.Lys1721Arg)

Genes: MYLK (myosin light chain kinase; minus strand), MYLK-AS1 (MYLK antisense RNA 1; plus strand). Cytogenetic location: 3q21.1.
Variant type: single nucleotide variant.
Coding change: c.5162A>G on transcript NM_053025.4 (MANE Select); coding-DNA position 5162, A replaced by G.
Protein change: p.Lys1721Arg; replaces lysine 1721 with arginine.
Molecular consequence: missense variant.
Genome position (GRCh38, 1-based): chr3:123,626,894, T>C on the plus strand (A>G on the coding strand, the complement: MYLK is on the minus strand). VCF-style: chr3-123626894-T-C. GRCh37 (hg19) VCF-style: chr3-123345741-T-C.
Other names: c.4634A>G, p.Lys1545Arg (NM_001321309.2); c.4955A>G, p.Lys1652Arg (NM_053026.4); c.5009A>G, p.Lys1670Arg (NM_053027.4); c.4802A>G, p.Lys1601Arg (NM_053028.4); c.5162A>G (NM_053025.3); short protein forms K1670R, K1721R, K1545R, K1601R, K1652R.
Identifiers: ClinVar variation 2772401 (VCV002772401.4), dbSNP rs1433266432, ClinGen allele CA354232968.